The following is an entry in ClinVar:

ClinVar aggregate classification (germline): Uncertain significance (1 of 4 stars; one submission).

Conditions:
Noonan syndrome 9 (NS9). Identifiers: Orphanet 648, MedGen C4225282, MONDO:0014691, OMIM 616559.

Submission:

Labcorp Genetics (formerly Invitae), Labcorp
Classification: Uncertain significance for Noonan syndrome 9. Last evaluated: 2021-05-30. Review status: criteria provided, single submitter. Criteria: Invitae Variant Classification Sherloc (09022015). Collection method: clinical testing. Allele origin: germline.
Comment: In summary, the available evidence is currently insufficient to determine the role of this variant in disease. Therefore, it has been classified as a Variant of Uncertain Significance. Algorithms developed to predict the effect of missense changes on protein structure and function are either unavailable or do not agree on the potential impact of this missense change (SIFT: "Tolerated"; PolyPhen-2: "Probably Damaging"; Align-GVGD: "Class C0"). This variant has not been reported in the literature in individuals with SOS2-related conditions. This variant is not present in population databases (ExAC no frequency). This sequence change replaces leucine with phenylalanine at codon 337 of the SOS2 protein (p.Leu337Phe). The leucine residue is highly conserved and there is a small physicochemical difference between leucine and phenylalanine.

NM_006939.4(SOS2):c.1009C>T (p.Leu337Phe)

Gene: SOS2 (SOS Ras/Rho guanine nucleotide exchange factor 2; minus strand). Cytogenetic location: 14q21.3.
Variant type: single nucleotide variant.
Coding change: c.1009C>T on transcript NM_006939.4 (MANE Select); coding-DNA position 1009, C replaced by T.
Protein change: p.Leu337Phe; replaces leucine 337 with phenylalanine.
Molecular consequence: missense variant.
Genome position (GRCh38, 1-based): chr14:50,174,513, G>A on the plus strand (C>T on the coding strand, the complement: SOS2 is on the minus strand). VCF-style: chr14-50174513-G-A. GRCh37 (hg19) VCF-style: chr14-50641231-G-A.
Other names: short protein forms L337F.
Identifiers: ClinVar variation 1357455 (VCV001357455.8), dbSNP rs1204583343, ClinGen allele CA389646799.